The following is an entry in ClinVar:

NM_206933.4(USH2A):c.9375del (p.Leu3126fs)

Gene: USH2A (usherin; minus strand). Cytogenetic location: 1q41.
Variant type: Deletion.
Coding change: c.9375del on transcript NM_206933.4 (MANE Select); coding-DNA position 9375, one base deleted (T; older notation c.9375delT).
Protein change: p.Leu3126fs; shifts the reading frame from leucine 3126.
Molecular consequence: frameshift variant.
Genome position (GRCh38, 1-based): chr1:215,817,192, A deleted on the plus strand (T on the coding strand, the reverse complement: USH2A is on the minus strand). VCF-style (leftmost placement, unchanged base first): chr1-215817191-GA-G. GRCh37 (hg19) VCF-style: chr1-215990533-GA-G.
Other names: short protein forms L3126fs.
Identifiers: ClinVar variation 5005933 (VCV005005933.2).

ClinVar aggregate classification (germline): Pathogenic (1 of 4 stars; one submission).

Conditions:
Retinitis pigmentosa 39 (RP39). Identifiers: Orphanet 791, MedGen C3151138, MONDO:0013436, OMIM 613809.
Usher syndrome type 2A. Also called: USHER SYNDROME, TYPE IIA; RETINAL DISEASE IN USHER SYNDROME TYPE IIA, MODIFIER OF. Identifiers: Orphanet 231178, Orphanet 886, MedGen C1848634, MONDO:0010169, OMIM 276901.

Submission:

Juno Genomics, Hangzhou Juno Genomics, Inc
Classification: Pathogenic for Usher syndrome type 2A; Retinitis pigmentosa 39. Review status: criteria provided, single submitter. Criteria: ACMG Guidelines, 2015. Collection method: clinical testing. Allele origin: germline.
Comment: Absent from controls (or at extremely low frequency if recessive) in Genome Aggregation Database.;Null variant in a gene where loss of function (LOF) is a known mechanism of disease.;For recessive disorders, detected in trans with a pathogenic variant.